The following is an entry in ClinVar:

NM_005228.5(EGFR):c.3437G>A (p.Cys1146Tyr)

Gene: EGFR (epidermal growth factor receptor; plus strand). Cytogenetic location: 7p11.2.
Variant type: single nucleotide variant.
Coding change: c.3437G>A on transcript NM_005228.5 (MANE Select); coding-DNA position 3437, G replaced by A.
Protein change: p.Cys1146Tyr; replaces cysteine 1146 with tyrosine.
Molecular consequence: missense variant.
Genome position (GRCh38, 1-based): chr7:55,205,421, G>A. VCF-style: chr7-55205421-G-A. GRCh37 (hg19) VCF-style: chr7-55273114-G-A.
Other names: c.3302G>A, p.Cys1101Tyr (NM_001346899.2); c.3278G>A, p.Cys1093Tyr (NM_001346900.2); c.2636G>A, p.Cys879Tyr (NM_001346941.2); c.3437G>A (NM_005228.3); short protein forms C1146Y, C1093Y, C1101Y, C879Y.
Identifiers: ClinVar variation 1038548 (VCV001038548.7), dbSNP rs1337590341, ClinGen allele CA367584614.

ClinVar aggregate classification (germline): Uncertain significance. Review status: criteria provided, multiple submitters, no conflicts (2 of 4 stars). 2 submissions from 2 submitters: Uncertain significance (2). Last evaluated 2025-01-20.

Conditions:
Hereditary cancer-predisposing syndrome. Also called: Neoplastic Syndromes, Hereditary; Hereditary Cancer Syndrome; Tumor predisposition; Hereditary neoplastic syndrome. Identifiers: Orphanet 140162, MedGen C0027672, MeSH D009386, MONDO:0015356.
EGFR-related lung cancer (EGFR). Identifiers: MedGen CN130014.

Allele frequency attached by ClinVar (database versions not stated): gnomAD exomes below 0.00001; TOPMed 0.00001.
gnomAD v4.1: 5 of 1,614,008 alleles (0.00031%); highest among the groups gnomAD compares: East Asian, 0.0022%; no homozygotes.

Submissions (2):

Ambry Genetics
Classification: Uncertain significance for Hereditary cancer-predisposing syndrome. Last evaluated: 2025-01-20. Review status: criteria provided, single submitter. Criteria: Ambry Variant Classification Scheme 2023. Collection method: clinical testing. Allele origin: germline.
Comment: The p.C1146Y variant (also known as c.3437G>A), located in coding exon 28 of the EGFR gene, results from a G to A substitution at nucleotide position 3437. The cysteine at codon 1146 is replaced by tyrosine, an amino acid with highly dissimilar properties. This amino acid position is not well conserved in available vertebrate species. In addition, this alteration is predicted to be tolerated by in silico analysis. Based on the available evidence, the clinical significance of this variant remains unclear.

Labcorp Genetics (formerly Invitae), Labcorp
Classification: Uncertain significance for EGFR-related lung cancer. Last evaluated: 2023-04-25. Review status: criteria provided, single submitter. Criteria: Invitae Variant Classification Sherloc (09022015). Collection method: clinical testing. Allele origin: germline.
Comment: This variant is present in population databases (no rsID available, gnomAD 0.0009%). In summary, the available evidence is currently insufficient to determine the role of this variant in disease. Therefore, it has been classified as a Variant of Uncertain Significance. An algorithm developed to predict the effect of missense changes on protein structure and function (PolyPhen-2) suggests that this variant¬† is likely to be tolerated. ClinVar contains an entry for this variant (Variation ID: 1038548). This variant has not been reported in the literature in individuals affected with EGFR-related conditions. This sequence change replaces cysteine, which is neutral and slightly polar, with tyrosine, which is neutral and polar, at codon 1146 of the EGFR protein (p.Cys1146Tyr).